The following is an entry in ClinVar:

NM_013266.4(CTNNA3):c.1771G>A (p.Glu591Lys)

Gene: CTNNA3 (catenin alpha 3; minus strand). Cytogenetic location: 10q21.3.
Variant type: single nucleotide variant.
Coding change: c.1771G>A on transcript NM_013266.4 (MANE Select); coding-DNA position 1771, G replaced by A.
Protein change: p.Glu591Lys; replaces glutamic acid 591 with lysine.
Molecular consequence: missense variant.
Genome position (GRCh38, 1-based): chr10:66,280,583, C>T on the plus strand (G>A on the coding strand, the complement: CTNNA3 is on the minus strand). VCF-style: chr10-66280583-C-T. GRCh37 (hg19) VCF-style: chr10-68040341-C-T.
Other names: c.1771G>A, p.Glu591Lys (NM_001127384.3); c.1771G>A (NM_013266.2); short protein forms E591K.
Identifiers: ClinVar variation 972536 (VCV000972536.10), dbSNP rs769809500, ClinGen allele CA5519821.

ClinVar aggregate classification (germline): Uncertain significance. Review status: criteria provided, multiple submitters, no conflicts (2 of 4 stars). 3 submissions from 3 submitters: Uncertain significance (3). Last evaluated 2025-08-06.

Conditions:
Arrhythmogenic right ventricular dysplasia 13. Also called: ARRHYTHMOGENIC RIGHT VENTRICULAR CARDIOMYOPATHY 13; Arrhythmogenic right ventricular dysplasia, familial, 13. Identifiers: MedGen C3810138, MONDO:0000908, OMIM 615616.

Allele frequency attached by ClinVar (database versions not stated): gnomAD 0.00001; ExAC 0.00003; gnomAD exomes 0.00003; TOPMed 0.00004.
gnomAD v4.1: 15 of 1,607,976 alleles (0.00093%); highest among the groups gnomAD compares: Non-Finnish European, 0.0011%; no homozygotes.

Submissions (3):

Ambry Genetics
Classification: Uncertain significance. Last evaluated: 2025-08-06. Review status: criteria provided, single submitter. Criteria: Ambry Variant Classification Scheme 2023. Collection method: clinical testing. Allele origin: germline.

Blueprint Genetics
Classification: Uncertain significance. Last evaluated: 2024-08-02. Review status: criteria provided, single submitter. Criteria: ACMG Guidelines, 2015. Collection method: clinical testing. Allele origin: germline.

Labcorp Genetics (formerly Invitae), Labcorp
Classification: Uncertain significance for Arrhythmogenic right ventricular dysplasia 13. Last evaluated: 2024-06-18. Review status: criteria provided, single submitter. Criteria: Invitae Variant Classification Sherloc (09022015). Collection method: clinical testing. Allele origin: germline.
Comment: This sequence change replaces glutamic acid, which is acidic and polar, with lysine, which is basic and polar, at codon 591 of the CTNNA3 protein (p.Glu591Lys). This variant is present in population databases (rs769809500, gnomAD 0.005%). This variant has not been reported in the literature in individuals affected with CTNNA3-related conditions. ClinVar contains an entry for this variant (Variation ID: 972536). Advanced modeling of protein sequence and biophysical properties (such as structural, functional, and spatial information, amino acid conservation, physicochemical variation, residue mobility, and thermodynamic stability) performed at Invitae indicates that this missense variant is not expected to disrupt CTNNA3 protein function with a negative predictive value of 80%. In summary, the available evidence is currently insufficient to determine the role of this variant in disease. Therefore, it has been classified as a Variant of Uncertain Significance.